The following is an entry in ClinVar:

NM_025114.4(CEP290):c.1712-2A>T

Gene: CEP290 (centrosomal protein 290; minus strand). Cytogenetic location: 12q21.32.
Variant type: single nucleotide variant.
Coding change: c.1712-2A>T on transcript NM_025114.4 (MANE Select); the canonical splice acceptor site of the intron before coding-DNA position 1712, A replaced by T.
Molecular consequence: splice acceptor variant.
Genome position (GRCh38, 1-based): chr12:88,117,147, T>A on the plus strand (A>T on the coding strand, the complement: CEP290 is on the minus strand). VCF-style: chr12-88117147-T-A. GRCh37 (hg19) VCF-style: chr12-88510924-T-A.
Identifiers: ClinVar variation 834368 (VCV000834368.10), dbSNP rs764551108, ClinGen allele CA6712483.

ClinVar aggregate classification (germline): Likely pathogenic (1 of 4 stars; one submission).

Conditions:
Meckel-Gruber syndrome. Also called: DYSENCEPHALIA SPLANCHNOCYSTICA; GRUBER SYNDROME; Dysencephalia splachnocystica. Identifiers: Orphanet 564, MedGen C0265215, MONDO:0018921.
Nephronophthisis. Also called: Juvenile Nephronophthisis. Identifiers: Orphanet 655, MedGen C0687120, MONDO:0019005, HP:0000090.
Joubert syndrome. Also called: CEREBELLOPARENCHYMAL DISORDER IV; JOUBERT-BOLTSHAUSER SYNDROME; Familial aplasia of the vermis. Identifiers: Orphanet 475, MedGen C5979921, MONDO:0018772.

Allele frequency attached by ClinVar (database versions not stated): gnomAD exomes below 0.00001 and 0.00001; ExAC 0.00004.
gnomAD v4.1: 1 of 1,414,478 alleles (0.000071%); no homozygotes.

Submission:

Labcorp Genetics (formerly Invitae), Labcorp
Classification: Likely pathogenic for Joubert syndrome; Meckel-Gruber syndrome; Nephronophthisis. Last evaluated: 2023-06-07. Review status: criteria provided, single submitter. Criteria: Invitae Variant Classification Sherloc (09022015). Collection method: clinical testing. Allele origin: germline.
Comment: This sequence change affects an acceptor splice site in intron 17 of the CEP290 gene. It is expected to disrupt RNA splicing. Variants that disrupt the donor or acceptor splice site typically lead to a loss of protein function (PMID: 16199547), and loss-of-function variants in CEP290 are known to be pathogenic (PMID: 16909394, 17345604, 20690115). The frequency data for this variant in the population databases is considered unreliable, as metrics indicate poor data quality at this position in the gnomAD database. This variant has not been reported in the literature in individuals affected with CEP290-related conditions. ClinVar contains an entry for this variant (Variation ID: 834368). Algorithms developed to predict the effect of sequence changes on RNA splicing suggest that this variant may disrupt the consensus splice site. In summary, the currently available evidence indicates that the variant is pathogenic, but additional data are needed to prove that conclusively. Therefore, this variant has been classified as Likely Pathogenic.

Literature cited by the submitters: PubMed 16199547; PubMed 16909394; PubMed 17345604; PubMed 20690115.